The following is an entry in ClinVar:

ClinVar aggregate classification (germline): Benign (1 of 4 stars; one submission).

Allele frequency attached by ClinVar (database versions not stated): gnomAD 0.45296 and 0.45546; TOPMed 0.45376; 1000 Genomes Project 30x 0.47611; 1000 Genomes Project 0.47724.
gnomAD v4.1: 68,664 of 151,812 alleles (45%); highest among the groups gnomAD compares: African/African-American, 66%; 16,904 homozygotes.

Submission:

GeneDx
Classification: Benign. Last evaluated: 2018-06-14. Review status: criteria provided, single submitter. Criteria: GeneDx Variant Classification (06012015). Collection method: clinical testing. Allele origin: germline. Affected: yes.
Comment: This variant is considered likely benign or benign based on one or more of the following criteria: it is a conservative change, it occurs at a poorly conserved position in the protein, it is predicted to be benign by multiple in silico algorithms, and/or has population frequency not consistent with disease.

NM_004239.4(TRIP11):c.140-259C>T

Gene: TRIP11 (thyroid hormone receptor interactor 11; minus strand). Cytogenetic location: 14q32.12.
Variant type: single nucleotide variant.
Coding change: c.140-259C>T on transcript NM_004239.4 (MANE Select); 259 bases into the intron before coding-DNA position 140, C replaced by T.
Molecular consequence: intron variant.
Genome position (GRCh38, 1-based): chr14:92,033,512, G>A on the plus strand (C>T on the coding strand, the complement: TRIP11 is on the minus strand). VCF-style: chr14-92033512-G-A. GRCh37 (hg19) VCF-style: chr14-92499856-G-A.
Other names: c.140-262C>T (NM_001321851.1).
Identifiers: ClinVar variation 667778 (VCV000667778.1), dbSNP rs7143506, ClinGen allele CA15809830.